The following is an entry in ClinVar:

ClinVar aggregate classification (germline): Benign/Likely benign. Review status: criteria provided, multiple submitters, no conflicts (2 of 4 stars). 4 submissions from 4 submitters: Benign (1); Likely benign (3). Last evaluated 2026-04-27.

Conditions:
EHMT1-related disorder. Also called: EHMT1-related condition.
Kleefstra syndrome 1 (KLEFS1). Identifiers: Orphanet 261494, MedGen C0795833, MONDO:0027407, OMIM 610253.

Allele frequency attached by ClinVar (database versions not stated): ExAC 0.00004; TOPMed 0.00006; gnomAD exomes 0.00008; ESP Exome Variant Server 0.00015.
gnomAD v4.1: 128 of 1,612,636 alleles (0.0079%); highest among the groups gnomAD compares: Middle Eastern, 0.066%; no homozygotes.

Submissions (4):

PreventionGenetics, part of Exact Sciences
Classification: Likely benign for EHMT1-related condition. Last evaluated: 2026-04-27. Review status: criteria provided, single submitter. Criteria: ACMG Guidelines, 2015. Collection method: clinical testing. Allele origin: germline.
Comment: This variant is classified as likely benign based on ACMG/AMP sequence variant interpretation guidelines (Richards et al. 2015 PMID: 25741868, with internal and published modifications).

CeGaT Center for Human Genetics Tuebingen
Classification: Likely benign. Last evaluated: 2026-04-01. Review status: criteria provided, single submitter. Criteria: CeGaT Center For Human Genetics Tuebingen Variant Classification Criteria Version 2. Collection method: clinical testing. Allele origin: germline. Affected: yes. Observed: 1 variant allele.
Comment: EHMT1: BP4, BP7

Labcorp Genetics (formerly Invitae), Labcorp
Classification: Benign for Kleefstra syndrome 1. Last evaluated: 2026-01-19. Review status: criteria provided, single submitter. Criteria: Invitae Variant Classification Sherloc (09022015). Collection method: clinical testing. Allele origin: germline.

GeneDx
Classification: Likely benign. Last evaluated: 2021-06-07. Review status: criteria provided, single submitter. Criteria: GeneDx Variant Classification Process June 2021. Collection method: clinical testing. Allele origin: germline. Affected: yes.

NM_024757.5(EHMT1):c.2340G>A (p.Ala780=)

Gene: EHMT1 (euchromatic histone lysine methyltransferase 1; plus strand). Cytogenetic location: 9q34.3.
Variant type: single nucleotide variant.
Coding change: c.2340G>A on transcript NM_024757.5 (MANE Select); coding-DNA position 2340, G replaced by A.
Protein change: p.Ala780=; no amino-acid change (alanine 780 retained).
Molecular consequence: synonymous variant.
Genome position (GRCh38, 1-based): chr9:137,782,355, G>A. VCF-style: chr9-137782355-G-A. GRCh37 (hg19) VCF-style: chr9-140676807-G-A.
Other names: c.2340G>A, p.Ala780= (NM_001145527.2); c.2247G>A, p.Ala749= (NM_001354259.2); c.2319G>A, p.Ala773= (NM_001354263.2).
Identifiers: ClinVar variation 858054 (VCV000858054.14), dbSNP rs139463826, ClinGen allele CA5374899.